The following is an entry in ClinVar:

ClinVar aggregate classification (germline): Likely pathogenic. Review status: reviewed by expert panel (3 of 4 stars). 7 submissions from 7 submitters: Likely pathogenic (1). 6 of the submissions do not count toward it. Last evaluated 2024-03-26.

Conditions:
Complex neurodevelopmental disorder. Identifiers: Orphanet 528084, MedGen C5568766, MONDO:0100038.
Seizures, benign familial infantile, 3 (BFIS3). Also called: Familial neonatal seizures; CONVULSIONS, BENIGN FAMILIAL INFANTILE, 3. Identifiers: Orphanet 140927, Orphanet 306, MedGen C1843140, MONDO:0011904, OMIM 607745.
Developmental and epileptic encephalopathy, 11 (DEE11). Also called: Early infantile epileptic encephalopathy 11. Identifiers: Orphanet 1934, MedGen C3150987, MONDO:0013388, OMIM 613721.

Submissions (8):

ClinGen Epilepsy Sodium Channel Variant Curation Expert Panel, Clingen
Classification: Likely pathogenic for Complex neurodevelopmental disorder. Last evaluated: 2024-03-26. Review status: reviewed by expert panel. Criteria: ClinGen EpilepsySCN ACMG Specifications SCN2A V1.0.0. Collection method: curation. Allele origin: germline. Inheritance: Autosomal dominant inheritance.
Comment: The c.5636T>C variant in SCN2A is a missense variant predicted to cause substitution of methionine by threonine at amino acid 1879 (p.Met1879Thr). This variant has been reported in one individual as de novo with unconfirmed parental relationships (PMID:32750235) (PM6_Supporting), and in one individual without parental segregation (PMID: 27779742) (PS4_Supporting), both with consistent phenotypes. Another missense variant at the same position in SCN2A (p.Met1879Ile) has been reported in the literature (PMID: 34055682), however, this variant does not reach Likely Pathogenic per these criteria so was not included for PM5. This variant is absent from the population database gnomAD v4.0 (PM2_Supporting). Functional evidence has demonstrated that this variant impacts normal protein function. Specifically, heterologous expression with voltage clamping has shown a shift of at least 4.1mV in voltage dependence of inactivation (PS3). The computational predictor REVEL gives a score of 0.922, which is above the threshold of 0.773, evidence that correlates with a maximum strength of PP3_Moderate. In summary, this variant meets the criteria to be classified as likely pathogenic for autosomal dominant complex neurodevelopmental disorder based on the ACMG/AMP criteria applied, as specified by the ClinGen Epilepsy Sodium Channel VCEP: PM6_Supporting, PS4_Supporting, PM2_Supporting, PS3, PP3_Moderate. (version 1.0; March 26, 2024).

Labcorp Genetics (formerly Invitae), Labcorp
Classification: Pathogenic for Seizures, benign familial infantile, 3; Developmental and epileptic encephalopathy, 11. Last evaluated: 2024-02-08. Review status: criteria provided, single submitter. Criteria: Invitae Variant Classification Sherloc (09022015). Collection method: clinical testing. Allele origin: germline. Not counted in ClinVar's aggregate classification.
Comment: This sequence change replaces methionine, which is neutral and non-polar, with threonine, which is neutral and polar, at codon 1879 of the SCN2A protein (p.Met1879Thr). This variant is not present in population databases (gnomAD no frequency). This missense change has been observed in individual(s) with clinical features of SCN2A-related conditions (PMID: 27779742, 32750235; Invitae). In at least one individual the variant was observed to be de novo. ClinVar contains an entry for this variant (Variation ID: 1478168). Advanced modeling of protein sequence and biophysical properties (such as structural, functional, and spatial information, amino acid conservation, physicochemical variation, residue mobility, and thermodynamic stability) performed at Invitae indicates that this missense variant is expected to disrupt SCN2A protein function with a positive predictive value of 95%. Experimental studies have shown that this missense change affects SCN2A function (PMID: 32750235). For these reasons, this variant has been classified as Pathogenic.

Victorian Clinical Genetics Services, Murdoch Childrens Research Institute
Classification: Pathogenic for Developmental and epileptic encephalopathy, 11. Last evaluated: 2023-07-16. Review status: criteria provided, single submitter. Criteria: ACMG Guidelines, 2015. Collection method: clinical testing. Allele origin: germline. Inheritance: Autosomal dominant inheritance. Affected: yes. Not counted in ClinVar's aggregate classification.
Comment: Based on the classification scheme VCGS_Germline_v1.3.4, this variant is classified as Pathogenic. Following criteria are met: 0103 - Loss of function and gain of function are known mechanisms of disease in this gene and are associated with SCN2A-related disorders. Variants causing a gain of function result in either developmental and epileptic encephalopathy 11 (MIM#613721) or benign familial infantile seizures 3 (MIM#607745), whereas variants displaying a loss of function cause austism spectrum disorder and/or intellectual disability, with or without childhood-onset seizures; the functional consequence of truncating variants is unknown (OMIM, PMID: 29691040). (I) 0107 - This gene is associated with autosomal dominant disease. (I) 0200 - Variant is predicted to result in a missense amino acid change from methionine to threonine. (I) 0251 - This variant is heterozygous. (I) 0301 - Variant is absent from gnomAD (both v2 and v3). (SP) 0501 - Missense variant consistently predicted to be damaging by multiple in silico tools or highly conserved with a major amino acid change. (SP) 0604 - Variant is not located in an established domain, motif, hotspot or informative constraint region. (I) 0704 - Another missense variant comparable to the one identified in this case has limited previous evidence for pathogenicity. The alternative change to a valine has been reported in a de novo individual with early infantile epileptic encephalopathy (PMID: 34055682). (SP) 0801 - This variant has strong previous evidence of pathogenicity in unrelated individuals. This variant has been reported in two de novo individuals with early-onset epileptic encephalopathy and developmental delay (PMID: 27779742, 32750235). It has also been reported as likely pathogenic in ClinVar. (SP) 0905 - No published segregation evidence has been identified for this variant. (I) 1002 - This variant has moderate functional evidence supporting abnormal protein function. Patch clamp assays demonstrated the variant enhanced resurgent current and may contribute to the gain of sodium conductance (PMID: 32750235). However, patch clamp assays have been shown to be unreliable, therefore results from these studies are used with caution during variant classification. (I) 1208 - Inheritance information for this variant is not currently available in this individual. (I) Legend: (SP) - Supporting pathogenic, (I) - Information, (SB) - Supporting benign

3billion
Classification: Uncertain significance for Developmental and epileptic encephalopathy, 11. Last evaluated: 2022-09-01. Review status: criteria provided, single submitter. Criteria: ACMG Guidelines, 2015. Collection method: clinical testing. Allele origin: germline. Affected: yes. Observed: 1 heterozygote. Not counted in ClinVar's aggregate classification.
Comment: The variant is not observed in the gnomAD v2.1.1 dataset. In silico tool predictions suggest damaging effect of the variant on gene or gene product (REVEL: 0.92; 3Cnet: 0.82). Same nucleotide change resulting in same amino acid change has been previously reported to be associated with SCN2A-related disorder (ClinVar ID: VCV001478168 / PMID: 27779742). However, the evidence of pathogenicity is insufficient at this time. Therefore, this variant is classified as uncertain significance according to the recommendation of ACMG/AMP guideline.

GeneDx
Classification: Pathogenic. Last evaluated: 2022-04-20. Review status: criteria provided, single submitter. Criteria: GeneDx Variant Classification Process June 2021. Collection method: clinical testing. Allele origin: germline. Affected: yes. Not counted in ClinVar's aggregate classification.
Comment: Published functional studies demonstrate p.(M1879T) severely impairs sodium channel Nav1.2 inactivation (Adney et al., 2020); Missense variants in this gene are often considered pathogenic (HGMD); In silico analysis supports that this missense variant has a deleterious effect on protein structure/function; Not observed at significant frequency in large population cohorts (gnomAD); This substitution is predicted to be within the C-terminal cytoplasmic domain; This variant is associated with the following publications: (PMID: 27779742, 32750235, 34992485)

Diagnostic Genetics, Severance Hospital, Yonsei University College of Medicine
Classification: Likely pathogenic for Developmental and epileptic encephalopathy, 11. Last evaluated: 2022-02-03. Review status: criteria provided, single submitter. Criteria: ACMG Guidelines, 2015. Collection method: clinical testing. Allele origin: de novo. Affected: yes. Not counted in ClinVar's aggregate classification.

MGZ Medical Genetics Center
Classification: Likely pathogenic for Developmental and epileptic encephalopathy, 11. Last evaluated: 2021-10-28. Review status: criteria provided, single submitter. Criteria: ACMG Guidelines, 2015. Collection method: clinical testing. Allele origin: germline. Affected: yes. Observed: 1 variant allele. Not counted in ClinVar's aggregate classification.
Comment: ACMG criteria applied: PS4_MOD, PS3_SUP, PM2_SUP, PM6_SUP, PP3

Channelopathy-Associated Epilepsy Research Center
No classification provided (evidence only). Condition: Complex neurodevelopmental disorder. Review status: no classification provided. Collection method: literature only. Allele origin: not applicable. Functional consequence: Normal peak current, Normal persistent current, Normal slope of activation, Normal voltage dependence of activation, Normal rate of recovery from fast inactivation, Normal recovery from slow inactivation, Mild slowing of fast inactivation, Increase in resurgent current, Moderate depolarizing shift of voltage dependence of fast inactivation, Increase in slope of fast inactivation, Overall gain-of-function. Not counted in ClinVar's aggregate classification.
ClinVar note: "not provided" was previously submitted as the classification for the variant. However, the classification appeared to be based only on an observation of functional data so it was converted to no classification on 2025-07-30.

Literature cited by the submitters: PubMed 27779742 (cited by 3 submitters); PubMed 32750235 (cited by 3 submitters); PubMed 29691040 (cited by Victorian Clinical Genetics Services, Murdoch Childrens Research Institute); PubMed 34055682 (cited by Victorian Clinical Genetics Services, Murdoch Childrens Research Institute).

NM_001040142.2(SCN2A):c.5636T>C (p.Met1879Thr)

Gene: SCN2A (sodium voltage-gated channel alpha subunit 2; plus strand). Cytogenetic location: 2q24.3.
Variant type: single nucleotide variant.
Coding change: c.5636T>C on transcript NM_001040142.2 (MANE Select); coding-DNA position 5636, T replaced by C.
Protein change: p.Met1879Thr; replaces methionine 1879 with threonine.
Molecular consequence: missense variant.
Genome position (GRCh38, 1-based): chr2:165,389,442, T>C. VCF-style: chr2-165389442-T-C. GRCh37 (hg19) VCF-style: chr2-166245952-T-C.
Other names: NM_001040142.2(SCN2A):c.5636T>C; p.Met1879Thr; c.5636T>C, p.Met1879Thr (NM_001040143.2, NM_001371246.1, NM_001371247.1 and 1 more transcripts); c.5636T>C (NM_021007.2, NM_001040142.1); short protein forms M1879T.
Identifiers: ClinVar variation 1478168 (VCV001478168.18), dbSNP rs2105403536, ClinGen allele CA349039608.
Genomic context (GRCh38, chr2:165,389,442, plus strand): 5'-TTGCTTTTACAAAGCGTGTTTTGGGTGAGAGTGGAGAGATGGATGCCCTTCGAATACAGA[T>C]GGAAGAGCGATTCATGGCATCAAACCCCTCCAAAGTCTCTTATGAGCCCATTACGACCAC-3'
Protein context (NP_001035232.1, residues 1869-1889): SGEMDALRIQ[Met1879Thr]EERFMASNPS